The following is an entry in ClinVar:

ClinVar aggregate classification (germline): Benign. Review status: criteria provided, single submitter (1 of 4 stars). 2 submissions from 2 submitters: Benign (1). 1 of the submissions does not count toward it. Last evaluated 2025-06-04.

Conditions:
Holoprosencephaly 11 (HPE11). Identifiers: Orphanet 2162, MedGen C3280215, MONDO:0013642, OMIM 614226.
CDON-related disorder. Also called: CDON-related condition.

Allele frequency attached by ClinVar (database versions not stated): gnomAD 0.00010 and 0.00016; gnomAD exomes 0.00019 and 0.00032; TOPMed 0.00028; ExAC 0.00030; 1000 Genomes Project 0.00120; 1000 Genomes Project 30x 0.00125.
gnomAD v4.1: 296 of 1,614,184 alleles (0.018%); highest among the groups gnomAD compares: East Asian, 0.65%; 1 homozygote.

Submissions (2):

Labcorp Genetics (formerly Invitae), Labcorp
Classification: Benign for Holoprosencephaly 11. Last evaluated: 2025-06-04. Review status: criteria provided, single submitter. Criteria: Invitae Variant Classification Sherloc (09022015). Collection method: clinical testing. Allele origin: germline.

PreventionGenetics, part of Exact Sciences
Classification: Benign for CDON-related condition. Last evaluated: 2019-12-13. Review status: no assertion criteria provided. Collection method: clinical testing. Allele origin: germline. Not counted in ClinVar's aggregate classification.
Comment: This variant is classified as benign based on ACMG/AMP sequence variant interpretation guidelines (Richards et al. 2015 PMID: 25741868, with internal and published modifications).

NM_001378964.1(CDON):c.3459T>C (p.Ser1153=)

Gene: CDON (cell adhesion associated, oncogene regulated; minus strand). Cytogenetic location: 11q24.2.
Variant type: single nucleotide variant.
Coding change: c.3459T>C on transcript NM_001378964.1 (MANE Select); coding-DNA position 3459, T replaced by C.
Protein change: p.Ser1153=; no amino-acid change (serine 1153 retained).
Molecular consequence: synonymous variant.
Genome position (GRCh38, 1-based): chr11:125,961,896, A>G on the plus strand (T>C on the coding strand, the complement: CDON is on the minus strand). VCF-style: chr11-125961896-A-G. GRCh37 (hg19) VCF-style: chr11-125831791-A-G.
Other names: c.3459T>C, p.Ser1153= (NM_001243597.3, NM_016952.6).
Identifiers: ClinVar variation 702597 (VCV000702597.10), dbSNP rs186048531, ClinGen allele CA6351403.